The following is an entry in ClinVar:

NM_022132.5(MCCC2):c.1441G>T (p.Val481Leu)

Gene: MCCC2 (methylcrotonyl-CoA carboxylase subunit 2; plus strand). Cytogenetic location: 5q13.2.
Variant type: single nucleotide variant.
Coding change: c.1441G>T on transcript NM_022132.5 (MANE Select); coding-DNA position 1441, G replaced by T.
Protein change: p.Val481Leu; replaces valine 481 with leucine.
Molecular consequence: missense variant.
Genome position (GRCh38, 1-based): chr5:71,650,136, G>T. VCF-style: chr5-71650136-G-T. GRCh37 (hg19) VCF-style: chr5-70945963-G-T.
Other names: c.1327G>T, p.Val443Leu (NM_001363147.1); short protein forms V443L, V481L.
Identifiers: ClinVar variation 2025503 (VCV002025503.4), dbSNP rs767575019, ClinGen allele CA359999137.

ClinVar aggregate classification (germline): Likely pathogenic (1 of 4 stars; one submission).

Conditions:
3-methylcrotonyl-CoA carboxylase 2 deficiency. Also called: 3 alpha methylcrotonyl-CoA carboxylase 2 deficiency; 3 alpha methylcrotonylglycinuria 2; MCC 2 deficiency; Methylcrotonylglycinuria type 2; METHYLCROTONYLGLYCINURIA, TYPE II. Identifiers: Orphanet 6, MedGen C1859499, MONDO:0008862, OMIM 210210.

Submission:

Labcorp Genetics (formerly Invitae), Labcorp
Classification: Likely pathogenic for 3-methylcrotonyl-CoA carboxylase 2 deficiency. Last evaluated: 2023-04-09. Review status: criteria provided, single submitter. Criteria: Invitae Variant Classification Sherloc (09022015). Collection method: clinical testing. Allele origin: germline.
Comment: In summary, the currently available evidence indicates that the variant is pathogenic, but additional data are needed to prove that conclusively. Therefore, this variant has been classified as Likely Pathogenic. This variant disrupts the p.Val481 amino acid residue in MCCC2. Other variant(s) that disrupt this residue have been determined to be pathogenic (Invitae). This suggests that this residue is clinically significant, and that variants that disrupt this residue are likely to be disease-causing. Advanced modeling of protein sequence and biophysical properties (such as structural, functional, and spatial information, amino acid conservation, physicochemical variation, residue mobility, and thermodynamic stability) performed at Invitae indicates that this missense variant is expected to disrupt MCCC2 protein function. ClinVar contains an entry for this variant (Variation ID: 2025503). This variant has not been reported in the literature in individuals affected with MCCC2-related conditions. This variant is not present in population databases (gnomAD no frequency). This sequence change replaces valine, which is neutral and non-polar, with leucine, which is neutral and non-polar, at codon 481 of the MCCC2 protein (p.Val481Leu).